The following is an entry in ClinVar:

NM_001048174.2(MUTYH):c.394C>T (p.Gln132Ter)

Gene: MUTYH (mutY DNA glycosylase; minus strand). Cytogenetic location: 1p34.1.
Variant type: single nucleotide variant.
Coding change: c.394C>T on transcript NM_001048174.2 (MANE Select); coding-DNA position 394, C replaced by T.
Protein change: p.Gln132Ter; replaces glutamine 132 with a stop codon.
Molecular consequence: nonsense. On other transcripts: non-coding transcript variant (6), intron variant (4).
Genome position (GRCh38, 1-based): chr1:45,332,944, G>A on the plus strand (C>T on the coding strand, the complement: MUTYH is on the minus strand). VCF-style: chr1-45332944-G-A. GRCh37 (hg19) VCF-style: chr1-45798616-G-A.
Other names: c.394C>T, p.Gln132Ter (NM_001048171.2, NM_001048173.2, NM_001293195.2 and 5 more transcripts); c.397C>T, p.Gln133Ter (NM_001048172.2, NM_001407071.1, NM_001407078.1 and 1 more transcripts); c.478C>T, p.Gln160Ter (NM_001128425.2); c.439C>T, p.Gln147Ter (NM_001293190.2); c.427C>T, p.Gln143Ter (NM_001293191.2, NM_001407077.1); c.118C>T, p.Gln40Ter (NM_001293192.2, NM_001293196.2, NM_001407091.1); c.49C>T, p.Gln17Ter (NM_001350650.2, NM_001350651.2, NM_001407082.1); c.310C>T, p.Gln104Ter (NM_001407075.1); and 7 more; short protein forms Q104*, Q132*, Q157*, Q139*, Q17*, Q40*, Q143*, Q160*.
Identifiers: ClinVar variation 4659728 (VCV004659728.1).

ClinVar aggregate classification (germline): Likely pathogenic (1 of 4 stars; one submission).

Conditions:
Hereditary cancer-predisposing syndrome. Also called: Neoplastic Syndromes, Hereditary; Tumor predisposition; Hereditary Cancer Syndrome; Hereditary neoplastic syndrome. Identifiers: Orphanet 140162, MedGen C0027672, MeSH D009386, MONDO:0015356.

gnomAD v4.1: 2 of 1,614,100 alleles (0.00012%); highest among the groups gnomAD compares: South Asian, 0.0011%; no homozygotes.

Submission:

Ambry Genetics
Classification: Likely pathogenic for Hereditary cancer-predisposing syndrome. Last evaluated: 2025-10-06. Review status: criteria provided, single submitter. Criteria: Ambry Variant Classification Scheme 2023. Collection method: clinical testing. Allele origin: germline.
Comment: The p.Q160* variant (also known as c.478C>T), located in coding exon 6 of the MUTYH gene, results from a C to T substitution at nucleotide position 478. This changes the amino acid from a glutamine to a stop codon within coding exon 6. This variant is considered to be rare based on population cohorts in the Genome Aggregation Database (gnomAD). This alteration is expected to result in loss of function by premature protein truncation or nonsense-mediated mRNA decay. Based on the majority of available evidence to date, this variant is likely to be pathogenic.